The following is an entry in ClinVar:

ClinVar aggregate classification (germline): Likely pathogenic (1 of 4 stars; one submission).

Submission:

Labcorp Genetics (formerly Invitae), Labcorp
Classification: Likely pathogenic. Last evaluated: 2019-10-19. Review status: criteria provided, single submitter. Criteria: Invitae Variant Classification Sherloc (09022015). Collection method: clinical testing. Allele origin: germline.
Comment: This variant is not present in population databases (ExAC no frequency). This sequence change affects an acceptor splice site in intron 13 of the COL7A1 gene. It is expected to disrupt RNA splicing and likely results in an absent or disrupted protein product. This variant has not been reported in the literature in individuals with COL7A1-related conditions. In summary, the currently available evidence indicates that the variant is pathogenic, but additional data are needed to prove that conclusively. Therefore, this variant has been classified as Likely Pathogenic. Donor and acceptor splice site variants typically lead to a loss of protein function (PMID: 16199547), and loss-of-function variants in COL7A1 are known to be pathogenic (PMID: 16971478). Algorithms developed to predict the effect of sequence changes on RNA splicing suggest that this variant may disrupt the consensus splice site, but this prediction has not been confirmed by published transcriptional studies.

Literature cited by the submitters: PubMed 16199547; PubMed 16971478.

NM_000094.4(COL7A1):c.1781-2A>G

Gene: COL7A1 (collagen type VII alpha 1 chain; minus strand). Cytogenetic location: 3p21.31.
Variant type: single nucleotide variant.
Coding change: c.1781-2A>G on transcript NM_000094.4 (MANE Select); the canonical splice acceptor site of the intron before coding-DNA position 1781, A replaced by G.
Molecular consequence: splice acceptor variant.
Genome position (GRCh38, 1-based): chr3:48,590,586, T>C on the plus strand (A>G on the coding strand, the complement: COL7A1 is on the minus strand). VCF-style: chr3-48590586-T-C. GRCh37 (hg19) VCF-style: chr3-48628019-T-C.
Identifiers: ClinVar variation 971174 (VCV000971174.7), dbSNP rs2045623626, ClinGen allele CA352728986.